The following is an entry in ClinVar:

ClinVar aggregate classification (germline): Uncertain significance (1 of 4 stars; one submission).

Submission:

Labcorp Genetics (formerly Invitae), Labcorp
Classification: Uncertain significance. Last evaluated: 2024-03-25. Review status: criteria provided, single submitter. Criteria: Invitae Variant Classification Sherloc (09022015). Collection method: clinical testing. Allele origin: germline.
Comment: This sequence change replaces glutamic acid, which is acidic and polar, with lysine, which is basic and polar, at codon 58 of the HOXB13 protein (p.Glu58Lys). This variant is not present in population databases (gnomAD no frequency). This variant has not been reported in the literature in individuals affected with HOXB13-related conditions. An algorithm developed to predict the effect of missense changes on protein structure and function (PolyPhen-2) suggests that this variant is likely to be disruptive. In summary, the available evidence is currently insufficient to determine the role of this variant in disease. Therefore, it has been classified as a Variant of Uncertain Significance.

NM_006361.6(HOXB13):c.172G>A (p.Glu58Lys)

Gene: HOXB13 (homeobox B13; minus strand). Cytogenetic location: 17q21.32.
Variant type: single nucleotide variant.
Coding change: c.172G>A on transcript NM_006361.6 (MANE Select); coding-DNA position 172, G replaced by A.
Protein change: p.Glu58Lys; replaces glutamic acid 58 with lysine.
Molecular consequence: missense variant.
Genome position (GRCh38, 1-based): chr17:48,728,422, C>T on the plus strand (G>A on the coding strand, the complement: HOXB13 is on the minus strand). VCF-style: chr17-48728422-C-T. GRCh37 (hg19) VCF-style: chr17-46805784-C-T.
Other names: short protein forms E58K.
Identifiers: ClinVar variation 3713685 (VCV003713685.2).